The following is an entry in ClinVar:

NM_006420.3(ARFGEF2):c.3757+277G>C

Gene: ARFGEF2 (ARF guanine nucleotide exchange factor 2; plus strand). Cytogenetic location: 20q13.13.
Variant type: single nucleotide variant.
Coding change: c.3757+277G>C on transcript NM_006420.3 (MANE Select); 277 bases into the intron after coding-DNA position 3757, G replaced by C.
Molecular consequence: intron variant.
Genome position (GRCh38, 1-based): chr20:49,010,681, G>C. VCF-style: chr20-49010681-G-C. GRCh37 (hg19) VCF-style: chr20-47627218-G-C.
Identifiers: ClinVar variation 674034 (VCV000674034.1), dbSNP rs112239224, ClinGen allele CA315901756.
Genomic context (GRCh38, chr20:49,010,681, plus strand): 5'-TATCAGTCAGTTGGGGTCCAGCAGATAAACGTGAATGTTATTTCAAGCCAGATGAAATTT[G>C]AAAGTCAAATCAATCCCAAGGCCACTCTAATGACTATGAAAGAATTACAGTCAATCCTCA-3'

ClinVar aggregate classification (germline): Benign (1 of 4 stars; one submission).

Allele frequency attached by ClinVar (database versions not stated): 1000 Genomes Project 0.01138; 1000 Genomes Project 30x 0.01156; TOPMed 0.02414; gnomAD 0.02788 and 0.02905.

Submission:

GeneDx
Classification: Benign. Last evaluated: 2018-06-19. Review status: criteria provided, single submitter. Criteria: GeneDx Variant Classification (06012015). Collection method: clinical testing. Allele origin: germline. Affected: yes.
Comment: This variant is considered likely benign or benign based on one or more of the following criteria: it is a conservative change, it occurs at a poorly conserved position in the protein, it is predicted to be benign by multiple in silico algorithms, and/or has population frequency not consistent with disease.